The following is an entry in ClinVar:

ClinVar aggregate classification (germline): Uncertain significance (1 of 4 stars; one submission).

Conditions:
Lethal multiple pterygium syndrome (LMPS). Identifiers: Orphanet 33108, MedGen C1854678, MONDO:0009668, OMIM 253290.

Allele frequency attached by ClinVar (database versions not stated): ExAC 0.00001; TOPMed 0.00001; gnomAD 0.00002.
gnomAD v4.1: 6 of 1,614,018 alleles (0.00037%); highest among the groups gnomAD compares: Non-Finnish European, 0.00051%; no homozygotes.

Submission:

Labcorp Genetics (formerly Invitae), Labcorp
Classification: Uncertain significance for Lethal multiple pterygium syndrome. Last evaluated: 2023-04-12. Review status: criteria provided, single submitter. Criteria: Invitae Variant Classification Sherloc (09022015). Collection method: clinical testing. Allele origin: germline.
Comment: This sequence change replaces isoleucine, which is neutral and non-polar, with valine, which is neutral and non-polar, at codon 98 of the CHRND protein (p.Ile98Val). Algorithms developed to predict the effect of sequence changes on RNA splicing suggest that this variant may create or strengthen a splice site. In summary, the available evidence is currently insufficient to determine the role of this variant in disease. Therefore, it has been classified as a Variant of Uncertain Significance. Advanced modeling of protein sequence and biophysical properties (such as structural, functional, and spatial information, amino acid conservation, physicochemical variation, residue mobility, and thermodynamic stability) performed at Invitae indicates that this missense variant is not expected to disrupt CHRND protein function. ClinVar contains an entry for this variant (Variation ID: 1952541). This variant has not been reported in the literature in individuals affected with CHRND-related conditions. This variant is present in population databases (rs781443298, gnomAD 0.0009%).

NM_000751.3(CHRND):c.292A>G (p.Ile98Val)

Gene: CHRND (cholinergic receptor nicotinic delta subunit; plus strand). Cytogenetic location: 2q37.1.
Variant type: single nucleotide variant.
Coding change: c.292A>G on transcript NM_000751.3 (MANE Select); coding-DNA position 292, A replaced by G.
Protein change: p.Ile98Val; replaces isoleucine 98 with valine.
Molecular consequence: missense variant. On other transcripts: synonymous variant (2).
Genome position (GRCh38, 1-based): chr2:232,528,310, A>G. VCF-style: chr2-232528310-A-G. GRCh37 (hg19) VCF-style: chr2-233393020-A-G.
Other names: c.247A>G, p.Ile83Val (NM_001256657.2); c.21A>G, p.Thr7= (NM_001311195.2, NM_001311196.2); short protein forms I98V, I83V.
Identifiers: ClinVar variation 1952541 (VCV001952541.5), dbSNP rs781443298, ClinGen allele CA2167980.